The following is an entry in ClinVar:

NM_014003.4(DHX38):c.2396G>A (p.Arg799Gln)

Gene: DHX38 (DEAH-box helicase 38; plus strand). Cytogenetic location: 16q22.2.
Variant type: single nucleotide variant.
Coding change: c.2396G>A on transcript NM_014003.4 (MANE Select); coding-DNA position 2396, G replaced by A.
Protein change: p.Arg799Gln; replaces arginine 799 with glutamine.
Molecular consequence: missense variant.
Genome position (GRCh38, 1-based): chr16:72,105,533, G>A. VCF-style: chr16-72105533-G-A. GRCh37 (hg19) VCF-style: chr16-72139432-G-A.
Other names: c.2396G>A (NM_014003.3); short protein forms R799Q.
Identifiers: ClinVar variation 1423447 (VCV001423447.7), dbSNP rs371172065, ClinGen allele CA8160645.
Genomic context (GRCh38, chr16:72,105,533, plus strand): 5'-GTCTCGAGGGACTCATTTTTCCCTTCCTGTATGTCCTGCTCTAGGCTCCAGATGGCGTTC[G>A]GAAGTGCATCGTTGCCACCAATATTGCCGAGACGTCTCTCACTGTTGACGGCATCATGTT-3'
Protein context (NP_054722.2, residues 789-809): KIFQKAPDGV[Arg799Gln]KCIVATNIAE

ClinVar aggregate classification (germline): Uncertain significance. Review status: criteria provided, multiple submitters, no conflicts (2 of 4 stars). 3 submissions from 3 submitters: Uncertain significance (3). Last evaluated 2025-09-01.

Allele frequency attached by ClinVar (database versions not stated): gnomAD 0.00001; gnomAD exomes 0.00001 and 0.00002; ExAC 0.00002; TOPMed 0.00002; ESP Exome Variant Server 0.00008.
gnomAD v4.1: 36 of 1,614,060 alleles (0.0022%); highest among the groups gnomAD compares: Non-Finnish European, 0.0028%; no homozygotes.

Submissions (3):

Ambry Genetics
Classification: Uncertain significance. Last evaluated: 2025-09-01. Review status: criteria provided, single submitter. Criteria: Ambry Variant Classification Scheme 2023. Collection method: clinical testing. Allele origin: germline.

Blueprint Genetics
Classification: Uncertain significance. Last evaluated: 2022-06-06. Review status: criteria provided, single submitter. Criteria: ACMG Guidelines, 2015. Collection method: clinical testing. Allele origin: germline.

Labcorp Genetics (formerly Invitae), Labcorp
Classification: Uncertain significance. Last evaluated: 2021-09-01. Review status: criteria provided, single submitter. Criteria: Invitae Variant Classification Sherloc (09022015). Collection method: clinical testing. Allele origin: germline.
Comment: This sequence change replaces arginine with glutamine at codon 799 of the DHX38 protein (p.Arg799Gln). The arginine residue is highly conserved and there is a small physicochemical difference between arginine and glutamine. This variant is present in population databases (rs371172065, ExAC 0.006%). This variant has not been reported in the literature in individuals affected with DHX38-related conditions. Algorithms developed to predict the effect of missense changes on protein structure and function (SIFT, PolyPhen-2, Align-GVGD) all suggest that this variant is likely to be disruptive. In summary, the available evidence is currently insufficient to determine the role of this variant in disease. Therefore, it has been classified as a Variant of Uncertain Significance.